The following is an entry in ClinVar:

ClinVar aggregate classification (germline): Uncertain significance. Review status: criteria provided, multiple submitters, no conflicts (2 of 4 stars). 2 submissions from 2 submitters: Uncertain significance (2). Last evaluated 2025-12-22.

Conditions:
Emery-Dreifuss muscular dystrophy (EDMD). Also called: Scapuloperoneal syndrome, X-linked (formerly); Humeroperoneal neuromuscular disease, (formerly). Identifiers: Orphanet 261, MedGen C0410189, MONDO:0016830.

Allele frequency attached by ClinVar (database versions not stated): ExAC 0.00001; TOPMed 0.00003; gnomAD 0.00007.
gnomAD v4.1: 21 of 1,614,102 alleles (0.0013%); highest among the groups gnomAD compares: Admixed American, 0.005%; no homozygotes.

Submissions (2):

Labcorp Genetics (formerly Invitae), Labcorp
Classification: Uncertain significance for Emery-Dreifuss muscular dystrophy. Last evaluated: 2025-12-22. Review status: criteria provided, single submitter. Criteria: Invitae Variant Classification Sherloc (09022015). Collection method: clinical testing. Allele origin: germline.
Comment: This sequence change replaces threonine, which is neutral and polar, with methionine, which is neutral and non-polar, at codon 224 of the SUN2 protein (p.Thr224Met). This variant is present in population databases (rs752409009, gnomAD 0.02%). This variant has not been reported in the literature in individuals affected with SUN2-related conditions. ClinVar contains an entry for this variant (Variation ID: 1972353). An algorithm developed to predict the effect of missense changes on protein structure and function (PolyPhen-2) suggests that this variant is likely to be disruptive. In summary, the available evidence is currently insufficient to determine the role of this variant in disease. Therefore, it has been classified as a Variant of Uncertain Significance.

Ambry Genetics
Classification: Uncertain significance. Last evaluated: 2025-04-10. Review status: criteria provided, single submitter. Criteria: Ambry Variant Classification Scheme 2023. Collection method: clinical testing. Allele origin: germline.

NM_015374.3(SUN2):c.671C>T (p.Thr224Met)

Gene: SUN2 (Sad1 and UNC84 domain containing 2; minus strand). Cytogenetic location: 22q13.1.
Variant type: single nucleotide variant.
Coding change: c.671C>T on transcript NM_015374.3 (MANE Select); coding-DNA position 671, C replaced by T.
Protein change: p.Thr224Met; replaces threonine 224 with methionine.
Molecular consequence: missense variant. On other transcripts: intron variant (2).
Genome position (GRCh38, 1-based): chr22:38,748,727, G>A on the plus strand (C>T on the coding strand, the complement: SUN2 is on the minus strand). VCF-style: chr22-38748727-G-A. GRCh37 (hg19) VCF-style: chr22-39144732-G-A.
Other names: c.734C>T, p.Thr245Met (NM_001199579.2, NM_001394428.1); c.671C>T, p.Thr224Met (NM_001199580.2, NM_001394427.1, NM_001394431.1 and 7 more transcripts); c.716C>T, p.Thr239Met (NM_001394429.1, NM_001394430.1); c.581C>T, p.Thr194Met (NM_001394438.1); c.533C>T, p.Thr178Met (NM_001394439.1, NM_001394440.1, NM_001394441.1); c.179C>T, p.Thr60Met (NM_001394443.1); c.614+1039C>T (NM_001394444.1, NM_001394445.1); c.671C>T (NM_015374.2); short protein forms T239M, T60M, T178M, T224M, T245M, T194M.
Identifiers: ClinVar variation 1972353 (VCV001972353.6), dbSNP rs752409009, ClinGen allele CA10235822.
Genomic context (GRCh38, chr22:38,748,727, plus strand): 5'-TGAACACATCTCTGTGCCTCCCTCTGCTCTCCCCATGCAGGCTCACCATACGTCAGGCAC[G>A]TCAGCAAGAGCAGCGGCAGCAGGAACCAGAGGAACGTCTTCAGGGACGAGAAGCGCCTGG-3'
Protein context (NP_056189.1, residues 214-234): LWFLLPLLLL[Thr224Met]CLTYGAWYFY